The following is an entry in ClinVar:

ClinVar aggregate classification (germline): Uncertain significance (1 of 4 stars; one submission).

Submission:

Ambry Genetics
Classification: Uncertain significance. Last evaluated: 2022-06-12. Review status: criteria provided, single submitter. Criteria: Ambry Variant Classification Scheme 2023. Collection method: clinical testing. Allele origin: germline.
Comment: The p.N32S variant (also known as c.95A>G), located in coding exon 1 of the MLH3 gene, results from an A to G substitution at nucleotide position 95. The asparagine at codon 32 is replaced by serine, an amino acid with highly similar properties. This amino acid position is conserved. In addition, this alteration is predicted to be deleterious by in silico analysis. Since supporting evidence is limited at this time, the clinical significance of this alteration remains unclear.

NM_001040108.2(MLH3):c.95A>G (p.Asn32Ser)

Gene: MLH3 (mutL homolog 3; minus strand). Cytogenetic location: 14q24.3.
Variant type: single nucleotide variant.
Coding change: c.95A>G on transcript NM_001040108.2 (MANE Select); coding-DNA position 95, A replaced by G.
Protein change: p.Asn32Ser; replaces asparagine 32 with serine.
Molecular consequence: missense variant.
Genome position (GRCh38, 1-based): chr14:75,049,561, T>C on the plus strand (A>G on the coding strand, the complement: MLH3 is on the minus strand). VCF-style: chr14-75049561-T-C. GRCh37 (hg19) VCF-style: chr14-75516264-T-C.
Other names: c.95A>G, p.Asn32Ser (NM_014381.3); short protein forms N32S.
Identifiers: ClinVar variation 1767511 (VCV001767511.2), dbSNP rs2503337551, ClinGen allele CA390451627.